The following is an entry in ClinVar:

ClinVar aggregate classification (germline): Uncertain significance (1 of 4 stars; one submission).

Submission:

Ambry Genetics
Classification: Uncertain significance. Last evaluated: 2022-07-11. Review status: criteria provided, single submitter. Criteria: Ambry Variant Classification Scheme 2023. Collection method: clinical testing. Allele origin: germline.
Comment: The p.G2633W variant (also known as c.7897G>T), located in coding exon 58 of the PRKDC gene, results from a G to T substitution at nucleotide position 7897. The glycine at codon 2633 is replaced by tryptophan, an amino acid with highly dissimilar properties. This amino acid position is conserved. In addition, this alteration is predicted to be tolerated by in silico analysis. Since supporting evidence is limited at this time, the clinical significance of this alteration remains unclear.

NM_006904.7(PRKDC):c.7897G>T (p.Gly2633Trp)

Gene: PRKDC (protein kinase, DNA-activated, catalytic subunit; minus strand). Cytogenetic location: 8q11.21.
Variant type: single nucleotide variant.
Coding change: c.7897G>T on transcript NM_006904.7 (MANE Select); coding-DNA position 7897, G replaced by T.
Protein change: p.Gly2633Trp; replaces glycine 2633 with tryptophan.
Molecular consequence: missense variant.
Genome position (GRCh38, 1-based): chr8:47,836,392, C>A on the plus strand (G>T on the coding strand, the complement: PRKDC is on the minus strand). VCF-style: chr8-47836392-C-A. GRCh37 (hg19) VCF-style: chr8-48748953-C-A.
Other names: c.7897G>T, p.Gly2633Trp (NM_001081640.2); short protein forms G2633W.
Identifiers: ClinVar variation 1761064 (VCV001761064.2), dbSNP rs2551867335, ClinGen allele CA371150600.
Genomic context (GRCh38, chr8:47,836,392, plus strand): 5'-TGTTACCTGCAGTCTGTGTCAGTGTGAAGTCATGCTGCTGCTGGGTGGCCCTTATCTGCC[C>A]TGCCACTGGCCAGCGAGCTGAGAGGGACCCTTCCTGGGTACGGGTCTGGAGAGTGCCCTG-3'
Protein context (NP_008835.5, residues 2623-2643): GSLSARWPVA[Gly2633Trp]QIRATQQQHD